The following is an entry in ClinVar:

ClinVar aggregate classification (germline): Likely benign. Review status: reviewed by expert panel (3 of 4 stars). 2 submissions from 2 submitters: Likely benign (1). 1 of the submissions does not count toward it. Last evaluated 2022-02-11.

Conditions:
Megalencephaly-polymicrogyria-polydactyly-hydrocephalus syndrome 2 (MPPH2). Also called: MEGALENCEPHALY-POLYMICROGYRIA-POLYDACTYLY-HYDROCEPHALUS SYNDROME 2, SOMATIC. Identifiers: Orphanet 83473, MedGen C4014738, MONDO:0014407, OMIM 615937.
Overgrowth syndrome and/or cerebral malformations due to abnormalities in MTOR pathway genes. Identifiers: MedGen CN300503, MONDO:0100283.

Allele frequency attached by ClinVar (database versions not stated): ExAC 0.00002; gnomAD exomes 0.00001; TOPMed 0.00002.
gnomAD v4.1: 10 of 1,608,092 alleles (0.00062%); highest among the groups gnomAD compares: African/African-American, 0.0027%; no homozygotes.

Submissions (2):

ClinGen Brain Malformations Variant Curation Expert Panel
Classification: Likely benign for Overgrowth syndrome and/or cerebral malformations due to abnormalities in MTOR pathway genes. Last evaluated: 2022-02-11. Review status: reviewed by expert panel. Criteria: ClinGen BrainMalform ACMG Specifications v1. Collection method: curation. Allele origin: germline. Inheritance: Autosomal dominant inheritance.
Comment: The NM_005465.7(AKT3):c.504G>A (p.Lys168=) variant is a synonymous (silent) variant that occurs at a nucleotide that is not conserved according to a PhyloP <0.1 (BP7). The results from in silico splicing predictors MaxEntScan, spliceAI and varSEAK support that this variant does not affect splicing (BP4). In summary, this variant meets the criteria to be classified as Likely benign for mosaic autosomal dominant overgrowth with or without cerebral malformations due to abnormalities in MTOR-pathway genes based on the ACMG/AMP criteria applied, as specified by the ClinGen Brain Malformations Expert Panel: BP4, BP7; -2 points (VCEP specifications version 1; Approved: 1/31/2021)

Labcorp Genetics (formerly Invitae), Labcorp
Classification: Benign for Megalencephaly-polymicrogyria-polydactyly-hydrocephalus syndrome 2. Last evaluated: 2025-04-29. Review status: criteria provided, single submitter. Criteria: Invitae Variant Classification Sherloc (09022015). Collection method: clinical testing. Allele origin: germline. Not counted in ClinVar's aggregate classification.

NM_005465.7(AKT3):c.504G>A (p.Lys168=)

Gene: AKT3 (AKT serine/threonine kinase 3; minus strand). Cytogenetic location: 1q44.
Variant type: single nucleotide variant.
Coding change: c.504G>A on transcript NM_005465.7 (MANE Select); coding-DNA position 504, G replaced by A.
Protein change: p.Lys168=; no amino-acid change (lysine 168 retained).
Molecular consequence: synonymous variant.
Genome position (GRCh38, 1-based): chr1:243,637,668, C>T on the plus strand (G>A on the coding strand, the complement: AKT3 is on the minus strand). VCF-style: chr1-243637668-C-T. GRCh37 (hg19) VCF-style: chr1-243800970-C-T.
Other names: NM_005465.7(AKT3):c.504G>A; p.Lys168=; c.504G>A, p.Lys168= (NM_001206729.2, NM_001370074.1, NM_181690.2).
Identifiers: ClinVar variation 772362 (VCV000772362.8), dbSNP rs751924257, ClinGen allele CA1484103.
Genomic context (GRCh38, chr1:243,637,668, plus strand): 5'-TACCTTTGCAATAATGACTTCTTTCTTCAGAATCTTCATAGCATAGTATTTTCCACTTGC[C>T]TTCTCTCGAACCAAAATAACTTTCCCAAAAGTGCCTTTACCTAGTAGTTTCAAATAGTCA-3'
Protein context (NP_005456.1, residues 158-178): TFGKVILVRE[Lys168=]ASGKYYAMKI